The following is an entry in ClinVar:

ClinVar aggregate classification (germline): Conflicting classifications of pathogenicity. Review status: criteria provided, conflicting classifications (1 of 4 stars). 2 submissions from 2 submitters: Uncertain significance (1); Likely benign (1). Last evaluated 2022-09-19.

Conditions:
Inborn genetic diseases. Identifiers: MedGen C0950123, MeSH D030342.

Allele frequency attached by ClinVar (database versions not stated): 1000 Genomes Project 30x 0.00016; TOPMed 0.00025.
gnomAD v4.1: 65 of 1,612,108 alleles (0.004%); highest among the groups gnomAD compares: African/African-American, 0.084%; no homozygotes.

Submissions (2):

Labcorp Genetics (formerly Invitae), Labcorp
Classification: Uncertain significance. Last evaluated: 2022-09-19. Review status: criteria provided, single submitter. Criteria: Invitae Variant Classification Sherloc (09022015). Collection method: clinical testing. Allele origin: germline.
Comment: This sequence change replaces histidine, which is basic and polar, with glutamine, which is neutral and polar, at codon 1244 of the TUBGCP6 protein (p.His1244Gln). This variant is present in population databases (rs140699312, gnomAD 0.09%). This variant has not been reported in the literature in individuals affected with TUBGCP6-related conditions. ClinVar contains an entry for this variant (Variation ID: 963904). Algorithms developed to predict the effect of missense changes on protein structure and function are either unavailable or do not agree on the potential impact of this missense change (SIFT: "Deleterious"; PolyPhen-2: "Probably Damaging"; Align-GVGD: "Class C0"). Algorithms developed to predict the effect of sequence changes on RNA splicing suggest that this variant may create or strengthen a splice site. In summary, the available evidence is currently insufficient to determine the role of this variant in disease. Therefore, it has been classified as a Variant of Uncertain Significance.

Ambry Genetics
Classification: Likely benign for Inborn genetic diseases. Last evaluated: 2022-04-13. Review status: criteria provided, single submitter. Criteria: Ambry Variant Classification Scheme 2023. Collection method: clinical testing. Allele origin: germline.

NM_020461.4(TUBGCP6):c.3732C>G (p.His1244Gln)

Gene: TUBGCP6 (tubulin gamma complex component 6; minus strand). Cytogenetic location: 22q13.33.
Variant type: single nucleotide variant.
Coding change: c.3732C>G on transcript NM_020461.4 (MANE Select); coding-DNA position 3732, C replaced by G.
Protein change: p.His1244Gln; replaces histidine 1244 with glutamine.
Molecular consequence: missense variant.
Genome position (GRCh38, 1-based): chr22:50,220,627, G>C on the plus strand (C>G on the coding strand, the complement: TUBGCP6 is on the minus strand). VCF-style: chr22-50220627-G-C. GRCh37 (hg19) VCF-style: chr22-50659056-G-C.
Other names: short protein forms H1244Q.
Identifiers: ClinVar variation 963904 (VCV000963904.6), dbSNP rs140699312, ClinGen allele CA10307840.